The following is an entry in ClinVar:

NM_000439.5(PCSK1):c.1298T>G (p.Leu433Trp)

Genes: CAST (calpastatin; plus strand), PCSK1 (proprotein convertase subtilisin/kexin type 1; minus strand), LOC101929710 (uncharacterized LOC101929710; plus strand). Cytogenetic location: 5q15.
Variant type: single nucleotide variant.
Coding change: c.1298T>G on transcript NM_000439.5 (MANE Select); coding-DNA position 1298, T replaced by G.
Protein change: p.Leu433Trp; replaces leucine 433 with tryptophan.
Molecular consequence: missense variant. On other transcripts: intron variant (11).
Genome position (GRCh38, 1-based): chr5:96,400,085, A>C on the plus strand (T>G on the coding strand, the complement: PCSK1 is on the minus strand). VCF-style: chr5-96400085-A-C. GRCh37 (hg19) VCF-style: chr5-95735789-A-C.
Other names: c.1157T>G, p.Leu386Trp (NM_001177875.2); c.-175+20433A>C (NM_001423254.1, NM_001423259.1, NM_001423255.1 and 6 more transcripts); c.-103+20433A>C (NM_001423253.1); c.-40+20433A>C (NM_001423258.1); short protein forms L386W, L433W.
Identifiers: ClinVar variation 3345873 (VCV003345873.3).

ClinVar aggregate classification (germline): Uncertain significance. Review status: criteria provided, multiple submitters, no conflicts (2 of 4 stars). 3 submissions from 3 submitters: Uncertain significance (2). 1 of the submissions does not count toward it. Last evaluated 2025-06-25.

Conditions:
Obesity due to prohormone convertase I deficiency. Also called: OBESITY AND ENDOCRINOPATHY DUE TO IMPAIRED PROCESSING OF PROHORMONES. Identifiers: Orphanet 71528, MedGen C1833053, MONDO:0010961, OMIM 600955.
Inborn genetic diseases. Identifiers: MedGen C0950123, MeSH D030342.
PCSK1-related disorder. Also called: PCSK1-related condition.

gnomAD v4.1: 1 of 1,614,070 alleles (0.000062%); highest among the groups gnomAD compares: Admixed American, 0.0017%; no homozygotes.

Submissions (3):

Ambry Genetics
Classification: Uncertain significance for Inborn genetic diseases. Last evaluated: 2025-06-25. Review status: criteria provided, single submitter. Criteria: Ambry Variant Classification Scheme 2023. Collection method: clinical testing. Allele origin: germline.

Department of Pathology and Laboratory Medicine, Sinai Health System
Classification: Uncertain significance for Obesity due to prohormone convertase I deficiency. Last evaluated: 2022-02-01. Review status: criteria provided, single submitter. Criteria: ACMG Guidelines, 2015. Collection method: research. Allele origin: germline.

PreventionGenetics, part of Exact Sciences
Classification: Uncertain significance for PCSK1-related condition. Last evaluated: 2024-09-07. Review status: no assertion criteria provided. Collection method: clinical testing. Allele origin: germline. Not counted in ClinVar's aggregate classification.
Comment: The PCSK1 c.1298T>G variant is predicted to result in the amino acid substitution p.Leu433Trp. To our knowledge, this variant has not been reported in the literature. This variant is reported in 0.0029% of alleles in individuals of Latino descent in gnomAD. At this time, the clinical significance of this variant is uncertain due to the absence of conclusive functional and genetic evidence.